The following is an entry in ClinVar:

ClinVar aggregate classification (germline): Uncertain significance (1 of 4 stars; one submission).

Conditions:
POLD1-related polyposis and colorectal cancer syndrome (CRCS10). Also called: Colorectal cancer 10; COLORECTAL CANCER, SUSCEPTIBILITY TO, ON CHROMOSOME 19q; Colorectal cancer, susceptibility to, 10. Identifiers: Orphanet 220460, MedGen C2675481, MONDO:0012953, OMIM 612591.

Submission:

Labcorp Genetics (formerly Invitae), Labcorp
Classification: Uncertain significance for POLD1-related polyposis and colorectal cancer syndrome. Last evaluated: 2023-03-14. Review status: criteria provided, single submitter. Criteria: Invitae Variant Classification Sherloc (09022015). Collection method: clinical testing. Allele origin: germline.
Comment: Variants that disrupt the consensus splice site are a relatively common cause of aberrant splicing (PMID: 17576681, 9536098). Algorithms developed to predict the effect of sequence changes on RNA splicing suggest that this variant is not likely to affect RNA splicing. This variant has not been reported in the literature in individuals affected with POLD1-related conditions. This variant is not present in population databases (gnomAD no frequency). This sequence change falls in intron 25 of the POLD1 gene. It does not directly change the encoded amino acid sequence of the POLD1 protein. It affects a nucleotide within the consensus splice site. In summary, the available evidence is currently insufficient to determine the role of this variant in disease. Therefore, it has been classified as a Variant of Uncertain Significance.

Literature cited by the submitters: PubMed 17576681; PubMed 9536098.

NM_002691.4(POLD1):c.3120+3_3120+5dup

Gene: POLD1 (DNA polymerase delta 1, catalytic subunit; plus strand). Cytogenetic location: 19q13.33.
Variant type: Duplication.
Coding change: c.3120+3_3120+5dup on transcript NM_002691.4 (MANE Select); bases 3 to 5 of the intron after coding-DNA position 3120, 3 bases duplicated (GAG; older notation c.3120+3_3120+5dupGAG).
Molecular consequence: intron variant.
Genome position (GRCh38, 1-based): chr19:50,417,100-50,417,102, GAG duplicated. VCF-style (leftmost placement, unchanged base first): chr19-50417099-T-TGAG. GRCh37 (hg19) VCF-style: chr19-50920356-T-TGAG.
Other names: c.3120+3_3120+5dup (NM_001256849.1); c.3198+3_3198+5dup (NM_001308632.1).
Identifiers: ClinVar variation 2841678 (VCV002841678.3), dbSNP rs2514075247, ClinGen allele CA2739276987.
Genomic context (GRCh38, chr19:50,417,099, plus strand): 5'-CCACAGGAGCCGTGTGTGAGTTCTGCCAGCCCCGGGAGTCTGAGCTGTATCAGAAGGAGG[T>TGAG]GAGAGGGCCGGGAGGTGAGGAGGGGCCAGGTGGGGAGGCGGGGGCGCCCTGCTCAGCCGC-3'